The following is an entry in ClinVar:

NM_001101362.3(KBTBD13):c.103C>T (p.Leu35Phe)

Gene: KBTBD13 (kelch repeat and BTB domain containing 13; plus strand). Cytogenetic location: 15q22.31.
Variant type: single nucleotide variant.
Coding change: c.103C>T on transcript NM_001101362.3 (MANE Select); coding-DNA position 103, C replaced by T.
Protein change: p.Leu35Phe; replaces leucine 35 with phenylalanine.
Molecular consequence: missense variant.
Genome position (GRCh38, 1-based): chr15:65,076,918, C>T. VCF-style: chr15-65076918-C-T. GRCh37 (hg19) VCF-style: chr15-65369256-C-T.
Other names: short protein forms L35F.
Identifiers: ClinVar variation 1969156 (VCV001969156.5), dbSNP rs1220721067, ClinGen allele CA392856359.
Genomic context (GRCh38, chr15:65,076,918, plus strand): 5'-GGCCAGCTCTTCCAAGCCGACCGCGCCCTGCTGGTGGAGCACTGTGGCTTCTTCCGAGGC[C>T]TCTTCCGCTCCGGCATGCGGGAGACCCGCGCAGCAGAGGTGCGCCTGGGCGTTCTGAGCG-3'
Protein context (NP_001094832.1, residues 25-45): LVEHCGFFRG[Leu35Phe]FRSGMRETRA

ClinVar aggregate classification (germline): Uncertain significance (1 of 4 stars; one submission).

Conditions:
Nemaline myopathy 6 (NEM6). Also called: Nemaline myopathy 6, autosomal dominant. Identifiers: Orphanet 171439, MedGen C1836472, MONDO:0012237, OMIM 609273.

Submission:

Labcorp Genetics (formerly Invitae), Labcorp
Classification: Uncertain significance for Nemaline myopathy 6. Last evaluated: 2021-12-29. Review status: criteria provided, single submitter. Criteria: Invitae Variant Classification Sherloc (09022015). Collection method: clinical testing. Allele origin: germline.
Comment: In summary, the available evidence is currently insufficient to determine the role of this variant in disease. Therefore, it has been classified as a Variant of Uncertain Significance. Algorithms developed to predict the effect of missense changes on protein structure and function are either unavailable or do not agree on the potential impact of this missense change (SIFT: "Deleterious"; PolyPhen-2: "Probably Damaging"; Align-GVGD: "Class C0"). This variant has not been reported in the literature in individuals affected with KBTBD13-related conditions. The frequency data for this variant in the population databases is considered unreliable, as metrics indicate poor data quality at this position in the gnomAD database. This sequence change replaces leucine, which is neutral and non-polar, with phenylalanine, which is neutral and non-polar, at codon 35 of the KBTBD13 protein (p.Leu35Phe).